The following is an entry in ClinVar:

ClinVar aggregate classification (germline): Likely benign (0 of 4 stars; one submission).

Conditions:
PFKL-related disorder. Also called: PFKL-related condition.

gnomAD v4.1: 2,312 of 1,613,578 alleles (0.14%); highest among the groups gnomAD compares: Non-Finnish European, 0.15%; 4 homozygotes.

Submission:

PreventionGenetics, part of Exact Sciences
Classification: Likely benign for PFKL-related condition. Last evaluated: 2024-03-11. Review status: no assertion criteria provided. Collection method: clinical testing. Allele origin: germline.
Comment: This variant is classified as likely benign based on ACMG/AMP sequence variant interpretation guidelines (Richards et al. 2015 PMID: 25741868, with internal and published modifications).

NM_002626.6(PFKL):c.1593C>T (p.Asn531=)

Gene: PFKL (phosphofructokinase, liver type; plus strand). Cytogenetic location: 21q22.3.
Variant type: single nucleotide variant.
Coding change: c.1593C>T on transcript NM_002626.6 (MANE Select); coding-DNA position 1593, C replaced by T.
Protein change: p.Asn531=; no amino-acid change (asparagine 531 retained).
Molecular consequence: synonymous variant.
Genome position (GRCh38, 1-based): chr21:44,323,861, C>T. VCF-style: chr21-44323861-C-T. GRCh37 (hg19) VCF-style: chr21-45743744-C-T.
Other names: c.1743C>T, p.Asn581= (NM_001002021.3).
Identifiers: ClinVar variation 3349742 (VCV003349742.1).